The following is an entry in ClinVar:

ClinVar aggregate classification (germline): Pathogenic (1 of 4 stars; one submission).

Submission:

Labcorp Genetics (formerly Invitae), Labcorp
Classification: Pathogenic. Last evaluated: 2022-03-17. Review status: criteria provided, single submitter. Criteria: Invitae Variant Classification Sherloc (09022015). Collection method: clinical testing. Allele origin: germline.
Comment: This sequence change creates a premature translational stop signal (p.Pro4545Leufs*5) in the USH2A gene. It is expected to result in an absent or disrupted protein product. Loss-of-function variants in USH2A are known to be pathogenic (PMID: 10729113, 10909849, 20507924, 25649381). This variant is not present in population databases (gnomAD no frequency). This variant has not been reported in the literature in individuals affected with USH2A-related conditions. For these reasons, this variant has been classified as Pathogenic.

Literature cited by the submitters: PubMed 10729113; PubMed 10909849; PubMed 20507924; PubMed 25649381.

NM_206933.4(USH2A):c.13634del (p.Pro4545fs)

Gene: USH2A (usherin; minus strand). Cytogenetic location: 1q41.
Variant type: Deletion.
Coding change: c.13634del on transcript NM_206933.4 (MANE Select); coding-DNA position 13634, one base deleted (C; older notation c.13634delC).
Protein change: p.Pro4545fs; shifts the reading frame from proline 4545.
Molecular consequence: frameshift variant.
Genome position (GRCh38, 1-based): chr1:215,674,277, G deleted on the plus strand (C on the coding strand, the reverse complement: USH2A is on the minus strand); the first of 2 consecutive G bases (chr1:215,674,277-215,674,278); deleting either gives the same sequence. VCF-style (leftmost placement, unchanged base first): chr1-215674276-AG-A. GRCh37 (hg19) VCF-style: chr1-215847618-AG-A.
Other names: short protein forms P4545fs.
Identifiers: ClinVar variation 1453593 (VCV001453593.6), dbSNP rs2102664808, ClinGen allele CA2573131548.
Genomic context (GRCh38, chr1:215,674,276, plus strand): 5'-ATAATTGATGATATCACCATTTGTTCTCACTGGAGGGTCCCAGTTCACTAAGATCTCCTG[AG>A]GACCCCTGGCCTGCAATTTTGGAGGTTCCATCCCTGAGGGTGCTGAGGGGCTGGTTCGAT-3'